The following is an entry in ClinVar:

ClinVar aggregate classification (germline): Benign. Review status: criteria provided, multiple submitters, no conflicts (2 of 4 stars). 11 submissions from 11 submitters: Benign (9). 2 of the submissions do not count toward it. Last evaluated 2026-02-04.

Conditions:
Autosomal recessive nonsyndromic hearing loss 30. Identifiers: Orphanet 90636, MedGen C1846784, MONDO:0011774, OMIM 607101.

Allele frequency attached by ClinVar (database versions not stated): 1000 Genomes Project 0.66274; 1000 Genomes Project 30x 0.66599; TOPMed 0.67324; gnomAD exomes 0.67600; ExAC 0.67859; ESP Exome Variant Server 0.68253; gnomAD 0.68719 and 0.68769.
gnomAD v4.1: 1,099,020 of 1,603,116 alleles (69%); highest among the groups gnomAD compares: Middle Eastern, 69%; 378,441 homozygotes.

Submissions (11):

Labcorp Genetics (formerly Invitae), Labcorp
Classification: Benign. Last evaluated: 2026-02-04. Review status: criteria provided, single submitter. Criteria: Invitae Variant Classification Sherloc (09022015). Collection method: clinical testing. Allele origin: germline.

Blueprint Genetics
Classification: Benign. Last evaluated: 2024-11-27. Review status: criteria provided, single submitter. Criteria: ACMG Guidelines, 2015. Collection method: clinical testing. Allele origin: germline.

Genome-Nilou Lab
Classification: Benign for Autosomal recessive nonsyndromic hearing loss 30. Last evaluated: 2021-09-05. Review status: criteria provided, single submitter. Criteria: ACMG Guidelines, 2015. Collection method: clinical testing. Allele origin: germline. Affected: no.

Mayo Clinic Laboratories, Mayo Clinic
Classification: Benign. Last evaluated: 2020-08-26. Review status: criteria provided, single submitter. Criteria: ACMG Guidelines, 2015. Collection method: clinical testing. Allele origin: germline. Observed: 145 variant alleles.

Illumina Laboratory Services, Illumina
Classification: Benign for Autosomal recessive nonsyndromic hearing loss 30. Last evaluated: 2018-01-12. Review status: criteria provided, single submitter. Criteria: ICSL Variant Classification Criteria 13 December 2019. Collection method: clinical testing. Allele origin: germline.
Comment: This variant was observed in the ICSL laboratory as part of a predisposition screen in an ostensibly healthy population. It had not been previously curated by ICSL or reported in the Human Gene Mutation Database (HGMD: prior to June 1st, 2018), and was therefore a candidate for classification through an automated scoring system. Utilizing variant allele frequency, disease prevalence and penetrance estimates, and inheritance mode, an automated score was calculated to assess if this variant is too frequent to cause the disease. Based on the score and internal cut-off values, a variant classified as benign is not then subjected to further curation. The score for this variant resulted in a classification of benign for this disease.

GeneDx
Classification: Benign. Last evaluated: 2017-05-09. Review status: criteria provided, single submitter. Criteria: GeneDx Variant Classification (06012015). Collection method: clinical testing. Allele origin: germline. Affected: yes.
Comment: This variant is considered likely benign or benign based on one or more of the following criteria: it is a conservative change, it occurs at a poorly conserved position in the protein, it is predicted to be benign by multiple in silico algorithms, and/or has population frequency not consistent with disease.

Laboratory for Molecular Medicine, Mass General Brigham Personalized Medicine
Classification: Benign. Last evaluated: 2012-05-07. Review status: criteria provided, single submitter. Criteria: LMM Criteria. Collection method: clinical testing. Allele origin: germline. Observed: 1,461 variant alleles.
Comment: Ile348Val in Exon 11 of MYO3A: This variant is not expected to have clinical sig nificance because it has been identified in 32.5% (1216/3738) of African America n chromosomes from a broad population by the NHLBI Exome Sequencing Project (dbSNP rs3824699).

Breakthrough Genomics
Classification: Benign. Review status: criteria provided, single submitter. Criteria: ACMG Guidelines, 2015. Collection method: not provided. Allele origin: germline. Inheritance: Autosomal recessive inheritance. Affected: yes.

PreventionGenetics, part of Exact Sciences
Classification: Benign. Review status: criteria provided, single submitter. Criteria: ACMG Guidelines, 2015. Collection method: clinical testing. Allele origin: germline.

Diagnostic Laboratory, Department of Genetics, University Medical Center Groningen
Classification: Benign. Review status: no assertion criteria provided. Collection method: clinical testing. Allele origin: germline. Affected: yes. Study: VKGL Data-share Consensus. Not counted in ClinVar's aggregate classification.

Joint Genome Diagnostic Labs from Nijmegen and Maastricht, Radboudumc and MUMC+
Classification: Benign. Review status: no assertion criteria provided. Collection method: clinical testing. Allele origin: germline. Affected: yes. Study: VKGL Data-share Consensus. Not counted in ClinVar's aggregate classification.

NM_017433.5(MYO3A):c.1042A>G (p.Ile348Val)

Gene: MYO3A (myosin IIIA; plus strand). Cytogenetic location: 10p12.1.
Variant type: single nucleotide variant.
Coding change: c.1042A>G on transcript NM_017433.5 (MANE Select); coding-DNA position 1042, A replaced by G.
Protein change: p.Ile348Val; replaces isoleucine 348 with valine.
Molecular consequence: missense variant.
Genome position (GRCh38, 1-based): chr10:26,067,063, A>G. VCF-style: chr10-26067063-A-G. GRCh37 (hg19) VCF-style: chr10-26355992-A-G.
Other names: short protein forms I348V.
Identifiers: ClinVar variation 45792 (VCV000045792.27), dbSNP rs3824699, ClinGen allele CA137050.